The following is an entry in ClinVar:

NM_001303.4(COX10):c.1071G>A (p.Ala357=)

Gene: COX10 (cytochrome c oxidase assembly factor heme A:farnesyltransferase COX10; plus strand). Cytogenetic location: 17p12.
Variant type: single nucleotide variant.
Coding change: c.1071G>A on transcript NM_001303.4 (MANE Select); coding-DNA position 1071, G replaced by A.
Protein change: p.Ala357=; no amino-acid change (alanine 357 retained).
Molecular consequence: synonymous variant.
Genome position (GRCh38, 1-based): chr17:14,206,952, G>A. VCF-style: chr17-14206952-G-A. GRCh37 (hg19) VCF-style: chr17-14110269-G-A.
Identifiers: ClinVar variation 508303 (VCV000508303.1), dbSNP rs770198211, ClinGen allele CA8402524.

ClinVar aggregate classification (germline): Likely benign (1 of 4 stars; one submission).

Allele frequency attached by ClinVar (database versions not stated): TOPMed 0.00001; gnomAD 0.00002 and 0.00004; ExAC 0.00003; gnomAD exomes 0.00004.
gnomAD v4.1: 37 of 1,613,752 alleles (0.0023%); highest among the groups gnomAD compares: South Asian, 0.032%; no homozygotes.

Submission:

GeneDx
Classification: Likely benign. Last evaluated: 2017-04-05. Review status: criteria provided, single submitter. Criteria: GeneDx Variant Classification (06012015). Collection method: clinical testing. Allele origin: germline. Affected: yes.
Comment: This variant is considered likely benign or benign based on one or more of the following criteria: it is a conservative change, it occurs at a poorly conserved position in the protein, it is predicted to be benign by multiple in silico algorithms, and/or has population frequency not consistent with disease.